The following is an entry in ClinVar:

ClinVar aggregate classification (germline): Benign/Likely benign. Review status: criteria provided, multiple submitters, no conflicts (2 of 4 stars). 8 submissions from 8 submitters: Benign (2); Likely benign (3). 3 of the submissions do not count toward it. Last evaluated 2026-07-01.

Conditions:
CACNA1G-related disorder. Also called: CACNA1G-related condition; CACNA1G-related disorders.

Allele frequency attached by ClinVar (database versions not stated): 1000 Genomes Project 30x 0.00078; 1000 Genomes Project 0.00080; TOPMed 0.00119; gnomAD 0.00151 and 0.00155; ESP Exome Variant Server 0.00174; gnomAD exomes 0.00180 and 0.00192; ExAC 0.00196.
gnomAD v4.1: 3,005 of 1,613,564 alleles (0.19%); highest among the groups gnomAD compares: South Asian, 0.21%; 7 homozygotes.

Submissions (8):

CeGaT Center for Human Genetics Tuebingen
Classification: Likely benign. Last evaluated: 2026-07-01. Review status: criteria provided, single submitter. Criteria: CeGaT Center For Human Genetics Tuebingen Variant Classification Criteria Version 2. Collection method: clinical testing. Allele origin: germline. Affected: yes. Observed: 19 variant alleles.
Comment: CACNA1G: BS1

Labcorp Genetics (formerly Invitae), Labcorp
Classification: Likely benign. Last evaluated: 2025-11-18. Review status: criteria provided, single submitter. Criteria: Invitae Variant Classification Sherloc (09022015). Collection method: clinical testing. Allele origin: germline.

Blueprint Genetics
Classification: Likely benign. Last evaluated: 2024-11-27. Review status: criteria provided, single submitter. Criteria: ACMG Guidelines, 2015. Collection method: clinical testing. Allele origin: germline.

Mayo Clinic Laboratories, Mayo Clinic
Classification: Benign. Last evaluated: 2023-10-26. Review status: criteria provided, single submitter. Criteria: ACMG Guidelines, 2015. Collection method: clinical testing. Allele origin: germline. Observed: 2 variant alleles.
Comment: BS1, BS2

GeneDx
Classification: Benign. Last evaluated: 2021-04-22. Review status: criteria provided, single submitter. Criteria: GeneDx Variant Classification Process June 2021. Collection method: clinical testing. Allele origin: germline. Affected: yes.

PreventionGenetics, part of Exact Sciences
Classification: Likely benign for CACNA1G-related condition. Last evaluated: 2022-03-28. Review status: no assertion criteria provided. Collection method: clinical testing. Allele origin: germline. Not counted in ClinVar's aggregate classification.
Comment: This variant is classified as likely benign based on ACMG/AMP sequence variant interpretation guidelines (Richards et al. 2015 PMID: 25741868, with internal and published modifications).

Clinical Genetics DNA and cytogenetics Diagnostics Lab, Erasmus MC, Erasmus Medical Center
Classification: Likely benign. Review status: no assertion criteria provided. Collection method: clinical testing. Allele origin: germline. Affected: yes. Study: VKGL Data-share Consensus. Not counted in ClinVar's aggregate classification.

Laboratory of Diagnostic Genome Analysis, Leiden University Medical Center (LUMC)
Classification: Likely benign. Review status: no assertion criteria provided. Collection method: clinical testing. Allele origin: germline. Affected: yes. Study: VKGL Data-share Consensus. Not counted in ClinVar's aggregate classification.

NM_018896.5(CACNA1G):c.895G>A (p.Gly299Ser)

Gene: CACNA1G (calcium voltage-gated channel subunit alpha1 G; plus strand). Cytogenetic location: 17q21.33.
Variant type: single nucleotide variant.
Coding change: c.895G>A on transcript NM_018896.5 (MANE Select); coding-DNA position 895, G replaced by A.
Protein change: p.Gly299Ser; replaces glycine 299 with serine.
Molecular consequence: missense variant. On other transcripts: non-coding transcript variant (5).
Genome position (GRCh38, 1-based): chr17:50,572,702, G>A. VCF-style: chr17-50572702-G-A. GRCh37 (hg19) VCF-style: chr17-48650063-G-A.
Other names: p.Gly299Ser; c.895G>A, p.Gly299Ser (NM_001256324.2, NM_001256325.2, NM_001256326.2 and 24 more transcripts); short protein forms G299S.
Identifiers: ClinVar variation 720406 (VCV000720406.40), dbSNP rs201875227, ClinGen allele CA8652062.